The following is an entry in ClinVar:

NM_001318510.2(ACSL4):c.-12-53C>G

Gene: ACSL4 (acyl-CoA synthetase long chain family member 4; minus strand). Cytogenetic location: Xq23.
Variant type: single nucleotide variant.
Coding change: c.-12-53C>G on transcript NM_001318510.2 (MANE Select); 53 bases into the intron before 12 bases upstream of the start codon, C replaced by G.
Molecular consequence: intron variant. On other transcripts: missense variant (2).
Genome position (GRCh38, 1-based): chrX:109,683,428, G>C on the plus strand (C>G on the coding strand, the complement: ACSL4 is on the minus strand). VCF-style: chrX-109683428-G-C. GRCh37 (hg19) VCF-style: chrX-108926657-G-C.
Other names: c.59C>G, p.Thr20Arg (NM_001318509.2, NM_022977.3); c.-9-56C>G (NM_004458.3); short protein forms T20R.
Identifiers: ClinVar variation 1723411 (VCV001723411.1), dbSNP rs1924345261, ClinGen allele CA414219507.

ClinVar aggregate classification (germline): Uncertain significance (1 of 4 stars; one submission).

Allele frequency attached by ClinVar (database versions not stated): TOPMed below 0.00001.

Submission:

Women's Health and Genetics/Laboratory Corporation of America, LabCorp
Classification: Uncertain significance. Last evaluated: 2022-10-28. Review status: criteria provided, single submitter. Criteria: LabCorp Variant Classification Summary - May 2015. Collection method: clinical testing. Allele origin: germline.
Comment: Variant summary: ACSL4 c.-9-56C>G is located in the untranslated mRNA region upstream of the initiation codon. Two of three in-silico tools predict a benign effect of the variant on protein function. The variant was absent in 182181 control chromosomes. The available data on variant occurrences in the general population are insufficient to allow any conclusion about variant significance. To our knowledge, no occurrence of c.-9-56C>G in individuals affected with Mental Retardation 63 and no experimental evidence demonstrating its impact on protein function have been reported. No clinical diagnostic laboratories have submitted clinical-significance assessments for this variant to ClinVar after 2014. Based on the evidence outlined above, the variant was classified as uncertain significance.